The following is an entry in ClinVar:

NM_000355.4(TCN2):c.334C>G (p.Leu112Val)

Gene: TCN2 (transcobalamin 2; plus strand). Cytogenetic location: 22q12.2.
Variant type: single nucleotide variant.
Coding change: c.334C>G on transcript NM_000355.4 (MANE Select); coding-DNA position 334, C replaced by G.
Protein change: p.Leu112Val; replaces leucine 112 with valine.
Molecular consequence: missense variant.
Genome position (GRCh38, 1-based): chr22:30,612,949, C>G. VCF-style: chr22-30612949-C-G. GRCh37 (hg19) VCF-style: chr22-31008936-C-G.
Other names: c.334C>G, p.Leu112Val (NM_001184726.2); short protein forms L112V.
Identifiers: ClinVar variation 1501615 (VCV001501615.8), dbSNP rs777103002, ClinGen allele CA411208616.

ClinVar aggregate classification (germline): Uncertain significance (1 of 4 stars; one submission).

Conditions:
Transcobalamin II deficiency (TCN2D). Also called: TC II DEFICIENCY; TCN2 DEFICIENCY; Transcolabamin II deficiency. Identifiers: Orphanet 859, MedGen C0342701, MONDO:0010149, OMIM 275350.

Allele frequency attached by ClinVar (database versions not stated): TOPMed below 0.00001.
gnomAD v4.1: 1 of 1,614,206 alleles (0.000062%); no homozygotes.

Submission:

Labcorp Genetics (formerly Invitae), Labcorp
Classification: Uncertain significance for Transcobalamin II deficiency. Last evaluated: 2022-03-08. Review status: criteria provided, single submitter. Criteria: Invitae Variant Classification Sherloc (09022015). Collection method: clinical testing. Allele origin: germline.
Comment: This sequence change replaces leucine, which is neutral and non-polar, with valine, which is neutral and non-polar, at codon 112 of the TCN2 protein (p.Leu112Val). This variant is not present in population databases (gnomAD no frequency). This variant has not been reported in the literature in individuals affected with TCN2-related conditions. Algorithms developed to predict the effect of missense changes on protein structure and function output the following: SIFT: "Tolerated"; PolyPhen-2: "Benign"; Align-GVGD: "Class C0". The valine amino acid residue is found in multiple mammalian species, which suggests that this missense change does not adversely affect protein function. In summary, the available evidence is currently insufficient to determine the role of this variant in disease. Therefore, it has been classified as a Variant of Uncertain Significance.